The following is an entry in ClinVar:

ClinVar aggregate classification (germline): Uncertain significance. Review status: criteria provided, multiple submitters, no conflicts (2 of 4 stars). 3 submissions from 3 submitters: Uncertain significance (2). 1 of the submissions does not count toward it. Last evaluated 2025-03-15.

Conditions:
BRCA2-related disorder. Also called: BRCA2-related condition; BRCA2-related disorders. Identifiers: MedGen CN239275.
Hereditary breast ovarian cancer syndrome. Also called: Hereditary breast and/or ovarian cancer syndrome; Hereditary breast and ovarian cancer syndrome (HBOC); Breast and ovarian cancer; BRCA1- and BRCA2-Associated Hereditary Breast and Ovarian Cancer; Hereditary breast and ovarian cancer; Hereditary breast and ovarian cancer syndrome. Identifiers: Orphanet 145, MedGen C0677776, MeSH D061325, MONDO:0003582. Disease mechanism: loss of function.
Hereditary cancer-predisposing syndrome. Also called: Neoplastic Syndromes, Hereditary; Tumor predisposition; Hereditary neoplastic syndrome; Hereditary Cancer Syndrome. Identifiers: Orphanet 140162, MedGen C0027672, MeSH D009386, MONDO:0015356.

Submissions (3):

Ambry Genetics
Classification: Uncertain significance for Hereditary cancer-predisposing syndrome. Last evaluated: 2025-03-15. Review status: criteria provided, single submitter. Criteria: Ambry Variant Classification Scheme 2023. Collection method: clinical testing. Allele origin: germline.
Comment: The p.S3014A variant (also known as c.9040T>G), located in coding exon 22 of the BRCA2 gene, results from a T to G substitution at nucleotide position 9040. The serine at codon 3014 is replaced by alanine, an amino acid with similar properties. This amino acid position is conserved. In addition, the in silico prediction for this alteration is inconclusive. Based on the available evidence, the clinical significance of this variant remains unclear.

Labcorp Genetics (formerly Invitae), Labcorp
Classification: Uncertain significance for Hereditary breast ovarian cancer syndrome. Last evaluated: 2024-05-14. Review status: criteria provided, single submitter. Criteria: Invitae Variant Classification Sherloc (09022015). Collection method: clinical testing. Allele origin: germline.
Comment: This sequence change replaces serine, which is neutral and polar, with alanine, which is neutral and non-polar, at codon 3014 of the BRCA2 protein (p.Ser3014Ala). This variant is not present in population databases (gnomAD no frequency). This variant has not been reported in the literature in individuals affected with BRCA2-related conditions. Advanced modeling of protein sequence and biophysical properties (such as structural, functional, and spatial information, amino acid conservation, physicochemical variation, residue mobility, and thermodynamic stability) performed at Invitae indicates that this missense variant is not expected to disrupt BRCA2 protein function with a negative predictive value of 95%. In summary, the available evidence is currently insufficient to determine the role of this variant in disease. Therefore, it has been classified as a Variant of Uncertain Significance.

PreventionGenetics, part of Exact Sciences
Classification: Uncertain significance for BRCA2-related condition. Last evaluated: 2024-01-31. Review status: no assertion criteria provided. Collection method: clinical testing. Allele origin: germline. Not counted in ClinVar's aggregate classification.
Comment: The BRCA2 c.9040T>G variant is predicted to result in the amino acid substitution p.Ser3014Ala. To our knowledge, this variant has not been reported in the literature or in a large population database, indicating this variant is rare. At this time, the clinical significance of this variant is uncertain due to the absence of conclusive functional and genetic evidence.

NM_000059.4(BRCA2):c.9040T>G (p.Ser3014Ala)

Gene: BRCA2 (BRCA2 DNA repair associated; plus strand). Cytogenetic location: 13q13.1.
Variant type: single nucleotide variant.
Coding change: c.9040T>G on transcript NM_000059.4 (MANE Select); coding-DNA position 9040, T replaced by G.
Protein change: p.Ser3014Ala; replaces serine 3014 with alanine.
Molecular consequence: missense variant. On other transcripts: non-coding transcript variant (1).
Genome position (GRCh38, 1-based): chr13:32,379,836, T>G. VCF-style: chr13-32379836-T-G. GRCh37 (hg19) VCF-style: chr13-32953973-T-G.
Other names: c.8944T>G, p.Ser2982Ala (NM_001406719.1); c.8989T>G, p.Ser2997Ala (NM_001406720.1); c.4108T>G, p.Ser1370Ala (NM_001406721.1); c.2623T>G, p.Ser875Ala (NM_001406722.1); short protein forms S1370A, S2982A, S2997A, S3014A, S875A.
Identifiers: ClinVar variation 3061230 (VCV003061230.5), dbSNP rs2137622962, ClinGen allele CA387757521.